The following is an entry in ClinVar:

NM_000135.4(FANCA):c.1322dup (p.Ser443fs)

Gene: FANCA (FA complementation group A; minus strand). Cytogenetic location: 16q24.3.
Variant type: Duplication.
Coding change: c.1322dup on transcript NM_000135.4 (MANE Select); coding-DNA position 1322, one base duplicated (G; older notation c.1322dupG).
Protein change: p.Ser443fs; shifts the reading frame from serine 443.
Molecular consequence: frameshift variant.
Genome position (GRCh38, 1-based): chr16:89,791,440, C duplicated on the plus strand (G on the coding strand, the reverse complement: FANCA is on the minus strand); the first of 3 consecutive C bases (chr16:89,791,440-89,791,442); duplicating any one gives the same sequence. VCF-style (leftmost placement, unchanged base first): chr16-89791439-G-GC. GRCh37 (hg19) VCF-style: chr16-89857847-G-GC.
Other names: c.1322dup, p.Ser443fs (NM_001286167.3); short protein forms S443fs.
Identifiers: ClinVar variation 3581545 (VCV003581545.2).

ClinVar aggregate classification (germline): Pathogenic/Likely pathogenic. Review status: criteria provided, multiple submitters, no conflicts (2 of 4 stars). 2 submissions from 2 submitters: Pathogenic (1); Likely pathogenic (1). Last evaluated 2026-05-05.

Conditions:
Fanconi anemia complementation group A (FANCA). Also called: Fanconi anemia, group A; FANCA-Related Fanconi Anemia. Identifiers: Orphanet 84, MedGen C3469521, MONDO:0009215, OMIM 227650.

Submissions (2):

Myriad Genetics, Inc.
Classification: Pathogenic for Fanconi anemia complementation group A. Last evaluated: 2026-05-05. Review status: criteria provided, single submitter. Criteria: Myriad Autosomal Dominant, Autosomal Recessive and X-Linked Classification Criteria (2023). Collection method: clinical testing. Allele origin: unknown.
Comment: NM_000135.2(FANCA):c.1322dupG(S443Lfs*42) is a frameshift variant classified as pathogenic in the context of Fanconi anemia complementation group A. S443Lfs*42 has not been observed in cases with relevant disease. Relevant functional assessments of this variant are not available in the literature. S443Lfs*42 has not been observed in referenced population frequency databases. In summary, NM_000135.2(FANCA):c.1322dupG(S443Lfs*42) is a frameshift variant in a gene where loss of function is a known mechanism of disease and is predicted to disrupt protein function. Please note: this variant was assessed in the context of healthy population screening.

Fulgent Genetics
Classification: Likely pathogenic for Fanconi anemia complementation group A. Last evaluated: 2024-01-17. Review status: criteria provided, single submitter. Criteria: ACMG Guidelines, 2015. Collection method: clinical testing. Allele origin: germline.